The following is an entry in ClinVar:

ClinVar aggregate classification (germline): Uncertain significance (1 of 4 stars; one submission).

Conditions:
Autism spectrum disorder due to AUTS2 deficiency (MRD26). Also called: INTELLECTUAL DEVELOPMENTAL DISORDER, AUTOSOMAL DOMINANT 26. Identifiers: Orphanet 352490, MedGen C4014435, MONDO:0014361, OMIM 615834.

Allele frequency attached by ClinVar (database versions not stated): ExAC 0.00001; gnomAD 0.00001; gnomAD exomes 0.00001 and 0.00002; TOPMed 0.00002.
gnomAD v4.1: 29 of 1,614,094 alleles (0.0018%); highest among the groups gnomAD compares: Non-Finnish European, 0.0023%; no homozygotes.

Submission:

New York Genome Center
Classification: Uncertain significance for Autism spectrum disorder due to AUTS2 deficiency. Last evaluated: 2021-08-12. Review status: criteria provided, single submitter. Criteria: NYGC Assertion Criteria 2020. Collection method: clinical testing. Allele origin: germline. Observed: 1 heterozygote. Study: CSER-NYCKidSeq.
Comment: The c.1673C>T (p.Thr558Met) variant identified in the AUTS2 gene substitutes a well conserved Threonine for Methionine at amino acid 558/1260(exon 9/19). This variant is found with low frequency in gnomAD(v2.1.1)(3 heterozygotes, 0 homozygotes; allele frequency: 1.21e-5) suggesting it is not a common benign variant in the populations represented in that database. In silico algorithms predict this variant to be Damaging (SIFT; score:0.026) and Benign (REVEL;score:0.2189) to the function of the canonical transcript. This variant is absent from ClinVar and to our current knowledge has not been reported in affected individuals in the literature. The p.Thr558 residue is not within a mapped domain of AUTS2 (UniProtKB:Q8WXX7). Given the lack of compelling evidence for its pathogenicity, the c.1673C>T (p.Thr558Met) variant identified in the AUTS2 gene is reported as a Variant of Uncertain Significance.

NM_015570.4(AUTS2):c.1673C>T (p.Thr558Met)

Gene: AUTS2 (activator of transcription and developmental regulator AUTS2; plus strand). Cytogenetic location: 7q11.22.
Variant type: single nucleotide variant.
Coding change: c.1673C>T on transcript NM_015570.4 (MANE Select); coding-DNA position 1673, C replaced by T.
Protein change: p.Thr558Met; replaces threonine 558 with methionine.
Molecular consequence: missense variant.
Genome position (GRCh38, 1-based): chr7:70,766,318, C>T. VCF-style: chr7-70766318-C-T. GRCh37 (hg19) VCF-style: chr7-70231304-C-T.
Other names: c.1673C>T, p.Thr558Met (NM_001127231.3); short protein forms T558M.
Identifiers: ClinVar variation 1696655 (VCV001696655.1), dbSNP rs552275264, ClinGen allele CA4280722.